The following is an entry in ClinVar:

ClinVar aggregate classification (germline): Uncertain significance (1 of 4 stars; one submission).

Allele frequency attached by ClinVar (database versions not stated): gnomAD exomes below 0.00001.

Submission:

GeneDx
Classification: Uncertain significance. Last evaluated: 2023-12-04. Review status: criteria provided, single submitter. Criteria: GeneDx Variant Classification Process June 2021. Collection method: clinical testing. Allele origin: germline. Affected: yes.
Comment: Not observed at significant frequency in large population cohorts (gnomAD); In silico analysis supports that this missense variant has a deleterious effect on protein structure/function; Has not been previously published as pathogenic or benign to our knowledge

NM_001020658.2(PUM1):c.3349A>T (p.Met1117Leu)

Gene: PUM1 (pumilio RNA binding family member 1; minus strand). Cytogenetic location: 1p35.2.
Variant type: single nucleotide variant.
Coding change: c.3349A>T on transcript NM_001020658.2 (MANE Select); coding-DNA position 3349, A replaced by T.
Protein change: p.Met1117Leu; replaces methionine 1117 with leucine.
Molecular consequence: missense variant.
Genome position (GRCh38, 1-based): chr1:30,936,729, T>A on the plus strand (A>T on the coding strand, the complement: PUM1 is on the minus strand). VCF-style: chr1-30936729-T-A. GRCh37 (hg19) VCF-style: chr1-31409576-T-A.
Other names: c.3343A>T, p.Met1115Leu (NM_014676.3); short protein forms M1115L, M1117L.
Identifiers: ClinVar variation 3252350 (VCV003252350.1), dbSNP rs2521277409.
Genomic context (GRCh38, chr1:30,936,729, plus strand): 5'-CTGGCTCCGCCACGTCAATCATCTTCTGGACCACGTAGTTGGCATACTGGTCCTTCATCA[T>A]GGTGTATAAGGCACTGTGGGGACCGTCGTTCATGGTGCACACCTCATCGATGAGCACAGC-3'
Protein context (NP_001018494.1, residues 1107-1127): NDGPHSALYT[Met1117Leu]MKDQYANYVV